The following is an entry in ClinVar:

NM_001556.3(IKBKB):c.1342C>T (p.Gln448Ter)

Gene: IKBKB (inhibitor of nuclear factor kappa B kinase subunit beta; plus strand). Cytogenetic location: 8p11.21.
Variant type: single nucleotide variant.
Coding change: c.1342C>T on transcript NM_001556.3 (MANE Select); coding-DNA position 1342, C replaced by T.
Protein change: p.Gln448Ter; replaces glutamine 448 with a stop codon.
Molecular consequence: nonsense. On other transcripts: non-coding transcript variant (3).
Genome position (GRCh38, 1-based): chr8:42,318,653, C>T. VCF-style: chr8-42318653-C-T. GRCh37 (hg19) VCF-style: chr8-42176171-C-T.
Other names: c.1150C>T, p.Gln384Ter (NM_001190720.3); c.1165C>T, p.Gln389Ter (NM_001242778.2); short protein forms Q384*, Q389*, Q448*.
Identifiers: ClinVar variation 2500043 (VCV002500043.3), dbSNP rs2487680645, ClinGen allele CA371088606.

ClinVar aggregate classification (germline): Conflicting classifications of pathogenicity. Review status: criteria provided, conflicting classifications (1 of 4 stars). 2 submissions from 2 submitters: Pathogenic (1); Uncertain significance (1). Last evaluated 2025-07-02.

Conditions:
Severe combined immunodeficiency due to IKK2 deficiency. Also called: IMMUNODEFICIENCY 15B; Immunodeficiency 15. Identifiers: Orphanet 397787, MedGen C4747743, MONDO:0014267, OMIM 615592.
Immunodeficiency 15a. Identifiers: Orphanet 700205, MedGen C4748694, MONDO:0032599, OMIM 618204.

Submissions (2):

Labcorp Genetics (formerly Invitae), Labcorp
Classification: Pathogenic for Severe combined immunodeficiency due to IKK2 deficiency. Last evaluated: 2025-07-02. Review status: criteria provided, single submitter. Criteria: Invitae Variant Classification Sherloc (09022015). Collection method: clinical testing. Allele origin: germline.
Comment: This sequence change creates a premature translational stop signal (p.Gln448*) in the IKBKB gene. It is expected to result in an absent or disrupted protein product. Loss-of-function variants in IKBKB are known to be pathogenic (PMID: 24369075, 24679846). This variant is not present in population databases (gnomAD no frequency). This variant has not been reported in the literature in individuals affected with IKBKB-related conditions. ClinVar contains an entry for this variant (Variation ID: 2500043). For these reasons, this variant has been classified as Pathogenic.

Center for Genomics, Ann and Robert H. Lurie Children's Hospital of Chicago
Classification: Uncertain significance for Severe combined immunodeficiency due to IKK2 deficiency; Immunodeficiency 15a. Review status: criteria provided, single submitter. Criteria: ACMG Guidelines, 2015. Collection method: clinical testing. Allele origin: germline.
Comment: IKBKB NM_001556 exon 13 p.Gln448X (c.1342C>T): This variant has not been reported in the literature and is not present in large control databases. Evolutionary conservation and computational predictive tools for this variant are limited or unavailable. This variant creates a premature stop at this codon which results in an absent or abnormal protein. Loss of function (LOF) variants have been reported in association with disease with this gene, but there is insufficent evidence for LOF as an established disease mechanism. In summary, data on this variant is insufficient for disease classification. Therefore, the clinical significance of this variant is uncertain.

Literature cited by the submitters: PubMed 24369075 (cited by Labcorp Genetics (formerly Invitae), Labcorp); PubMed 24679846 (cited by Labcorp Genetics (formerly Invitae), Labcorp).